The following is an entry in ClinVar:

NM_001034852.3(SMOC1):c.1037G>T (p.Gly346Val)

Gene: SMOC1 (SPARC related modular calcium binding 1; plus strand). Cytogenetic location: 14q24.2.
Variant type: single nucleotide variant.
Coding change: c.1037G>T on transcript NM_001034852.3 (MANE Select); coding-DNA position 1037, G replaced by T.
Protein change: p.Gly346Val; replaces glycine 346 with valine.
Molecular consequence: missense variant.
Genome position (GRCh38, 1-based): chr14:70,013,482, G>T. VCF-style: chr14-70013482-G-T. GRCh37 (hg19) VCF-style: chr14-70480199-G-T.
Other names: c.1037G>T, p.Gly346Val (NM_022137.6); short protein forms G346V.
Identifiers: ClinVar variation 2114395 (VCV002114395.4), dbSNP rs2503316540, ClinGen allele CA390210633.

ClinVar aggregate classification (germline): Uncertain significance (1 of 4 stars; one submission).

Submission:

Labcorp Genetics (formerly Invitae), Labcorp
Classification: Uncertain significance. Last evaluated: 2025-02-17. Review status: criteria provided, single submitter. Criteria: Invitae Variant Classification Sherloc (09022015). Collection method: clinical testing. Allele origin: germline.
Comment: This sequence change replaces glycine, which is neutral and non-polar, with valine, which is neutral and non-polar, at codon 346 of the SMOC1 protein (p.Gly346Val). This variant is not present in population databases (gnomAD no frequency). This variant has not been reported in the literature in individuals affected with SMOC1-related conditions. ClinVar contains an entry for this variant (Variation ID: 2114395). Invitae Evidence Modeling of protein sequence and biophysical properties (such as structural, functional, and spatial information, amino acid conservation, physicochemical variation, residue mobility, and thermodynamic stability) indicates that this missense variant is not expected to disrupt SMOC1 protein function with a negative predictive value of 80%. In summary, the available evidence is currently insufficient to determine the role of this variant in disease. Therefore, it has been classified as a Variant of Uncertain Significance.